The following is an entry in ClinVar:

NM_002016.2(FLG):c.10455C>A (p.Ala3485=)

Genes: CCDST (cervical cancer associated DHX9 suppressive transcript; plus strand), FLG (filaggrin; minus strand). Cytogenetic location: 1q21.3.
Variant type: single nucleotide variant.
Coding change: c.10455C>A on transcript NM_002016.2 (MANE Select); coding-DNA position 10455, C replaced by A.
Protein change: p.Ala3485=; no amino-acid change (alanine 3485 retained).
Molecular consequence: synonymous variant.
Genome position (GRCh38, 1-based): chr1:152,304,431, G>T on the plus strand (C>A on the coding strand, the complement: FLG is on the minus strand). VCF-style: chr1-152304431-G-T. GRCh37 (hg19) VCF-style: chr1-152276907-G-T.
Identifiers: ClinVar variation 2639232 (VCV002639232.24), dbSNP rs576339608, ClinGen allele CA1103346.

ClinVar aggregate classification (germline): Likely benign (1 of 4 stars; one submission).

Allele frequency attached by ClinVar (database versions not stated): gnomAD exomes 0.00007; ExAC 0.00011; gnomAD 0.00023; 1000 Genomes Project 30x 0.00094; 1000 Genomes Project 0.00160.
gnomAD v4.1: 133 of 1,609,834 alleles (0.0083%); highest among the groups gnomAD compares: African/African-American, 0.042%; 3 homozygotes.

Submission:

CeGaT Center for Human Genetics Tuebingen
Classification: Likely benign. Last evaluated: 2026-08-01. Review status: criteria provided, single submitter. Criteria: CeGaT Center For Human Genetics Tuebingen Variant Classification Criteria Version 2. Collection method: clinical testing. Allele origin: germline. Affected: yes. Observed: 4 variant alleles.
Comment: FLG: BP4, BP7